The following is an entry in ClinVar:

NM_000138.5(FBN1):c.3758A>C (p.Gln1253Pro)

Gene: FBN1 (fibrillin 1; minus strand). Cytogenetic location: 15q21.1.
Variant type: single nucleotide variant.
Coding change: c.3758A>C on transcript NM_000138.5 (MANE Select); coding-DNA position 3758, A replaced by C.
Protein change: p.Gln1253Pro; replaces glutamine 1253 with proline.
Molecular consequence: missense variant.
Genome position (GRCh38, 1-based): chr15:48,483,898, T>G on the plus strand (A>C on the coding strand, the complement: FBN1 is on the minus strand). VCF-style: chr15-48483898-T-G. GRCh37 (hg19) VCF-style: chr15-48776095-T-G.
Other names: c.3758A>C, p.Gln1253Pro (NM_001406716.1); short protein forms Q1253P.
Identifiers: ClinVar variation 1913257 (VCV001913257.5), dbSNP rs2505541017, ClinGen allele CA392323999.

ClinVar aggregate classification (germline): Uncertain significance (1 of 4 stars; one submission).

Conditions:
Familial thoracic aortic aneurysm and aortic dissection (TAAD). Also called: Thoracic aortic aneurysms and dissections. Identifiers: Orphanet 91387, MedGen C4707243, MONDO:0019625.
Marfan syndrome (MFS). Also called: MARFAN SYNDROME, TYPE I; Marfan syndrome type 1; Marfan's syndrome; Marfan syndrome, classic; FBN1-Related Marfan Syndrome. Identifiers: Orphanet 284963, Orphanet 558, MedGen C0024796, MONDO:0007947, OMIM 154700.

Submission:

Labcorp Genetics (formerly Invitae), Labcorp
Classification: Uncertain significance for Marfan syndrome; Familial thoracic aortic aneurysm and aortic dissection. Last evaluated: 2022-03-11. Review status: criteria provided, single submitter. Criteria: Invitae Variant Classification Sherloc (09022015). Collection method: clinical testing. Allele origin: germline.
Comment: This sequence change replaces glutamine, which is neutral and polar, with proline, which is neutral and non-polar, at codon 1253 of the FBN1 protein (p.Gln1253Pro). This variant is not present in population databases (gnomAD no frequency). In summary, the available evidence is currently insufficient to determine the role of this variant in disease. Therefore, it has been classified as a Variant of Uncertain Significance. Advanced modeling of protein sequence and biophysical properties (such as structural, functional, and spatial information, amino acid conservation, physicochemical variation, residue mobility, and thermodynamic stability) performed at Invitae indicates that this missense variant is expected to disrupt FBN1 protein function. This missense change has been observed in individual(s) with clinical features of FBN1-related conditions (Invitae).